The following is an entry in ClinVar:

NM_002234.4(KCNA5):c.706G>A (p.Val236Met)

Gene: KCNA5 (potassium voltage-gated channel subfamily A member 5; plus strand). Cytogenetic location: 12p13.32.
Variant type: single nucleotide variant.
Coding change: c.706G>A on transcript NM_002234.4 (MANE Select); coding-DNA position 706, G replaced by A.
Protein change: p.Val236Met; replaces valine 236 with methionine.
Molecular consequence: missense variant.
Genome position (GRCh38, 1-based): chr12:5,044,853, G>A. VCF-style: chr12-5044853-G-A. GRCh37 (hg19) VCF-style: chr12-5154019-G-A.
Other names: short protein forms V236M.
Identifiers: ClinVar variation 638821 (VCV000638821.2), dbSNP rs762579966, ClinGen allele CA6399700.

ClinVar aggregate classification (germline): Uncertain significance (1 of 4 stars; one submission).

Conditions:
Atrial fibrillation, familial, 7 (ATFB7). Identifiers: MedGen C2677106, MONDO:0012828, OMIM 612240.

Allele frequency attached by ClinVar (database versions not stated): gnomAD exomes below 0.00001; ExAC 0.00001.
gnomAD v4.1: 1 of 1,614,058 alleles (0.000062%); highest among the groups gnomAD compares: Non-Finnish European, 0.000085%; no homozygotes.

Submission:

Labcorp Genetics (formerly Invitae), Labcorp
Classification: Uncertain significance for Atrial fibrillation, familial, 7. Last evaluated: 2025-10-12. Review status: criteria provided, single submitter. Criteria: Invitae Variant Classification Sherloc (09022015). Collection method: clinical testing. Allele origin: germline.
Comment: This sequence change replaces valine, which is neutral and non-polar, with methionine, which is neutral and non-polar, at codon 236 of the KCNA5 protein (p.Val236Met). This variant is present in population databases (rs762579966, gnomAD 0.0009%). This variant has not been reported in the literature in individuals affected with KCNA5-related conditions. ClinVar contains an entry for this variant (Variation ID: 638821). Invitae Evidence Modeling of protein sequence and biophysical properties (such as structural, functional, and spatial information, amino acid conservation, physicochemical variation, residue mobility, and thermodynamic stability) indicates that this missense variant is not expected to disrupt KCNA5 protein function with a negative predictive value of 80%. In summary, the available evidence is currently insufficient to determine the role of this variant in disease. Therefore, it has been classified as a Variant of Uncertain Significance.